The following is an entry in ClinVar:

NM_182760.4(SUMF1):c.279del (p.Ile94fs)

Gene: SUMF1 (sulfatase modifying factor 1; minus strand). Cytogenetic location: 3p26.1.
Variant type: Deletion.
Coding change: c.279del on transcript NM_182760.4 (MANE Select); coding-DNA position 279, one base deleted (C; older notation c.279delC).
Protein change: p.Ile94fs; shifts the reading frame from isoleucine 94.
Molecular consequence: frameshift variant.
Genome position (GRCh38, 1-based): chr3:4,453,041, G deleted on the plus strand (C on the coding strand, the reverse complement: SUMF1 is on the minus strand); the first of 4 consecutive G bases (chr3:4,453,041-4,453,044); deleting any one gives the same sequence. VCF-style (leftmost placement, unchanged base first): chr3-4453040-TG-T. GRCh37 (hg19) VCF-style: chr3-4494724-TG-T.
Other names: c.276del (NM_182760.4); c.279del, p.Ile94fs (NM_001164674.2, NM_001164675.2); short protein forms I94fs.
Identifiers: ClinVar variation 1455201 (VCV001455201.11), dbSNP rs2125134167, ClinGen allele CA2573136904.

ClinVar aggregate classification (germline): Pathogenic/Likely pathogenic. Review status: criteria provided, multiple submitters, no conflicts (2 of 4 stars). 4 submissions from 4 submitters: Pathogenic (2); Likely pathogenic (1). 1 of the submissions does not count toward it. Last evaluated 2024-05-14.

Conditions:
Multiple sulfatase deficiency (MSD). Also called: Mucosulfatidosis; Multiple Sulfatase Deficiency Disease; Sulfatidosis, Juvenile, Austin Type. Identifiers: Orphanet 585, MedGen C0268263, MONDO:0010088, OMIM 272200.

Submissions (4):

Myriad Genetics, Inc.
Classification: Pathogenic for Multiple sulfatase deficiency. Last evaluated: 2024-05-14. Review status: criteria provided, single submitter. Criteria: Myriad Autosomal Dominant, Autosomal Recessive and X-Linked Classification Criteria (2023). Collection method: clinical testing. Allele origin: unknown.
Comment: NM_182760.3(SUMF1):c.279delC(I94Sfs*15) is expected to be pathogenic in the context of multiple sulfatase deficiency. This variant is predicted to lead to an abnormal or absent protein product due to the creation of a premature termination codon in SUMF1, a gene where loss-of-function variants are known to be pathogenic. Please note: this variant was assessed in the context of healthy population screening.

Women's Health and Genetics/Laboratory Corporation of America, LabCorp
Classification: Likely pathogenic for Multiple sulfatase deficiency. Last evaluated: 2022-07-14. Review status: criteria provided, single submitter. Criteria: LabCorp Variant Classification Summary - May 2015. Collection method: clinical testing. Allele origin: germline.
Comment: Variant summary: SUMF1 c.279delC (p.Ile94SerfsX15) results in a premature termination codon, predicted to cause a truncation of the encoded protein or absence of the protein due to nonsense mediated decay, which are commonly known mechanisms for disease. Truncations downstream of this position have been classified as pathogenic by our laboratory. The variant was absent in 249630 control chromosomes (gnomAD). c.279delC has been reported in the literature in an individual affected with Multiple Sulfatase Deficiency (Cosma_2003). A ClinVar submitter (evaluation after 2014) cites the variant as pathogenic. Based on the evidence outlined above, the variant was classified as likely pathogenic.

Labcorp Genetics (formerly Invitae), Labcorp
Classification: Pathogenic for Multiple sulfatase deficiency. Last evaluated: 2021-05-08. Review status: criteria provided, single submitter. Criteria: Invitae Variant Classification Sherloc (09022015). Collection method: clinical testing. Allele origin: germline.
Comment: For these reasons, this variant has been classified as Pathogenic. This variant has been observed in individual(s) with multiple sulfatase deficiency (PMID: 12757706). This variant is not present in population databases (ExAC no frequency). This sequence change creates a premature translational stop signal (p.Ile94Serfs*15) in the SUMF1 gene. It is expected to result in an absent or disrupted protein product. Loss-of-function variants in SUMF1 are known to be pathogenic (PMID: 12757705, 12757706, 25885655).

OMIM
Classification: Pathogenic for MULTIPLE SULFATASE DEFICIENCY. Last evaluated: 2003-05-16. Review status: no assertion criteria provided. Collection method: literature only. Allele origin: germline. Not counted in ClinVar's aggregate classification.

Literature cited by the submitters: PubMed 12757706 (cited by 3 submitters); PubMed 12757705 (cited by Labcorp Genetics (formerly Invitae), Labcorp); PubMed 25885655 (cited by Labcorp Genetics (formerly Invitae), Labcorp).